The following is an entry in ClinVar:

NM_001015880.2(PAPSS2):c.1037G>C (p.Arg346Pro)

Gene: PAPSS2 (3'-phosphoadenosine 5'-phosphosulfate synthase 2; plus strand). Cytogenetic location: 10q23.31.
Variant type: single nucleotide variant.
Coding change: c.1037G>C on transcript NM_001015880.2 (MANE Select); coding-DNA position 1037, G replaced by C.
Protein change: p.Arg346Pro; replaces arginine 346 with proline.
Molecular consequence: missense variant.
Genome position (GRCh38, 1-based): chr10:87,727,440, G>C. VCF-style: chr10-87727440-G-C. GRCh37 (hg19) VCF-style: chr10-89487197-G-C.
Other names: c.1022G>C, p.Arg341Pro (NM_004670.4); short protein forms R341P, R346P.
Identifiers: ClinVar variation 2672405 (VCV002672405.23), dbSNP rs752982930, ClinGen allele CA5589629.
Genomic context (GRCh38, chr10:87,727,440, plus strand): 5'-GTGGACGGAGGGTAGCTATCTTACGAGACGCTGAATTCTATGAACACAGAAAAGAGGAAC[G>C]CTGTTCCCGTGTTTGGGGGACAACATGTACAAAACACCCCCATATCAAAGTAAGTCACAA-3'
Protein context (NP_001015880.1, residues 336-356): AEFYEHRKEE[Arg346Pro]CSRVWGTTCT

ClinVar aggregate classification (germline): Likely pathogenic (1 of 4 stars; one submission).

Allele frequency attached by ClinVar (database versions not stated): gnomAD 0.00001.
gnomAD v4.1: 39 of 1,613,900 alleles (0.0024%); highest among the groups gnomAD compares: South Asian, 0.041%; 1 homozygote.

Submission:

CeGaT Center for Human Genetics Tuebingen
Classification: Likely pathogenic. Last evaluated: 2023-11-01. Review status: criteria provided, single submitter. Criteria: CeGaT Center For Human Genetics Tuebingen Variant Classification Criteria Version 2. Collection method: clinical testing. Allele origin: germline. Affected: yes. Observed: 1 variant allele.
Comment: PAPSS2: PM2, PM3, PP1:Moderate, PS3:Supporting, BP4